The following is an entry in ClinVar:

ClinVar aggregate classification (germline): Uncertain significance (1 of 4 stars; one submission).

Submission:

Labcorp Genetics (formerly Invitae), Labcorp
Classification: Uncertain significance. Last evaluated: 2022-10-03. Review status: criteria provided, single submitter. Criteria: Invitae Variant Classification Sherloc (09022015). Collection method: clinical testing. Allele origin: germline.
Comment: In summary, the available evidence is currently insufficient to determine the role of this variant in disease. Therefore, it has been classified as a Variant of Uncertain Significance. Advanced modeling of protein sequence and biophysical properties (such as structural, functional, and spatial information, amino acid conservation, physicochemical variation, residue mobility, and thermodynamic stability) performed at Invitae indicates that this missense variant is not expected to disrupt CCBE1 protein function. ClinVar contains an entry for this variant (Variation ID: 1356827). This variant has not been reported in the literature in individuals affected with CCBE1-related conditions. This variant is not present in population databases (gnomAD no frequency). This sequence change replaces isoleucine, which is neutral and non-polar, with methionine, which is neutral and non-polar, at codon 233 of the CCBE1 protein (p.Ile233Met).

NM_133459.4(CCBE1):c.699C>G (p.Ile233Met)

Gene: CCBE1 (collagen and calcium binding EGF domains 1; minus strand). Cytogenetic location: 18q21.32.
Variant type: single nucleotide variant.
Coding change: c.699C>G on transcript NM_133459.4 (MANE Select); coding-DNA position 699, C replaced by G.
Protein change: p.Ile233Met; replaces isoleucine 233 with methionine.
Molecular consequence: missense variant.
Genome position (GRCh38, 1-based): chr18:59,448,059, G>C on the plus strand (C>G on the coding strand, the complement: CCBE1 is on the minus strand). VCF-style: chr18-59448059-G-C. GRCh37 (hg19) VCF-style: chr18-57115291-G-C.
Other names: short protein forms I233M.
Identifiers: ClinVar variation 1356827 (VCV001356827.8), dbSNP rs2143649786, ClinGen allele CA402596090.
Genomic context (GRCh38, chr18:59,448,059, plus strand): 5'-CCCAGGCAGGCCAGGAGGTCCTGGAAGGTAGGTGTTTGAGGCCAGCACCTTGTCACCAGT[G>C]ATATACTTGCCCAGGTCAGCTGCATTGTTGGGGAGCAGAGCAATCTGCAAGGAGAAGAGG-3'
Protein context (NP_597716.1, residues 223-243): PNNAADLGKY[Ile233Met]TGDKVLASNT